The following is an entry in ClinVar:

NM_001130438.3(SPTAN1):c.5973C>T (p.Asp1991=)

Gene: SPTAN1 (spectrin alpha, non-erythrocytic 1; plus strand). Cytogenetic location: 9q34.11.
Variant type: single nucleotide variant.
Coding change: c.5973C>T on transcript NM_001130438.3 (MANE Select); coding-DNA position 5973, C replaced by T.
Protein change: p.Asp1991=; no amino-acid change (aspartic acid 1991 retained).
Molecular consequence: synonymous variant.
Genome position (GRCh38, 1-based): chr9:128,624,468, C>T. VCF-style: chr9-128624468-C-T. GRCh37 (hg19) VCF-style: chr9-131386747-C-T.
Other names: c.5898C>T, p.Asp1966= (NM_001195532.2); c.5973C>T, p.Asp1991= (NM_001363759.2); c.5913C>T, p.Asp1971= (NM_001363765.2); c.5958C>T, p.Asp1986= (NM_003127.4).
Identifiers: ClinVar variation 416898 (VCV000416898.12), dbSNP rs1060504931, ClinGen allele CA16612431.

ClinVar aggregate classification (germline): Likely benign. Review status: criteria provided, multiple submitters, no conflicts (2 of 4 stars). 2 submissions from 2 submitters: Likely benign (2). Last evaluated 2024-07-22.

Conditions:
Early-infantile DEE. Also called: Ohtahara syndrome; Early infantile epileptic encephalopathy with suppression bursts; Early infantile epileptic encephalopathy. Identifiers: Orphanet 1934, MedGen C0393706, MONDO:0800491.

Allele frequency attached by ClinVar (database versions not stated): gnomAD exomes below 0.00001 and 0.00001; gnomAD 0.00001.
gnomAD v4.1: 6 of 1,613,296 alleles (0.00037%); highest among the groups gnomAD compares: Admixed American, 0.0017%; no homozygotes.

Submissions (2):

Labcorp Genetics (formerly Invitae), Labcorp
Classification: Likely benign for Early-infantile DEE. Last evaluated: 2024-07-22. Review status: criteria provided, single submitter. Criteria: Invitae Variant Classification Sherloc (09022015). Collection method: clinical testing. Allele origin: germline.

GeneDx
Classification: Likely benign. Last evaluated: 2017-05-17. Review status: criteria provided, single submitter. Criteria: GeneDx Variant Classification (06012015). Collection method: clinical testing. Allele origin: germline. Affected: yes.
Comment: This variant is considered likely benign or benign based on one or more of the following criteria: it is a conservative change, it occurs at a poorly conserved position in the protein, it is predicted to be benign by multiple in silico algorithms, and/or has population frequency not consistent with disease.